The following is an entry in ClinVar:

ClinVar aggregate classification (germline): Uncertain significance. Review status: criteria provided, multiple submitters, no conflicts (2 of 4 stars). 4 submissions from 4 submitters: Uncertain significance (4). Last evaluated 2026-01-14.

Conditions:
Noonan syndrome 10 (NS10). Identifiers: Orphanet 648, MedGen C4225280, MONDO:0014693, OMIM 616564.
Noonan syndrome 2 (NS2). Identifiers: Orphanet 648, MedGen C1854469, MONDO:0011531, OMIM 605275.
Hereditary cancer-predisposing syndrome. Also called: Neoplastic Syndromes, Hereditary; Hereditary Cancer Syndrome; Tumor predisposition; Hereditary neoplastic syndrome. Identifiers: Orphanet 140162, MedGen C0027672, MeSH D009386, MONDO:0015356.
Cardiovascular phenotype. Identifiers: MedGen CN230736.

Allele frequency attached by ClinVar (database versions not stated): TOPMed below 0.00001; gnomAD 0.00001.
gnomAD v4.1: 1 of 1,614,032 alleles (0.000062%); highest among the groups gnomAD compares: African/African-American, 0.0013%; no homozygotes.

Submissions (4):

Labcorp Genetics (formerly Invitae), Labcorp
Classification: Uncertain significance. Last evaluated: 2026-01-14. Review status: criteria provided, single submitter. Criteria: Invitae Variant Classification Sherloc (09022015). Collection method: clinical testing. Allele origin: germline.
Comment: This sequence change replaces histidine, which is basic and polar, with tyrosine, which is neutral and polar, at codon 121 of the LZTR1 protein (p.His121Tyr). This variant is not present in population databases (gnomAD no frequency). This variant has not been reported in the literature in individuals affected with LZTR1-related conditions. ClinVar contains an entry for this variant (Variation ID: 1006717). Invitae Evidence Modeling of protein sequence and biophysical properties (such as structural, functional, and spatial information, amino acid conservation, physicochemical variation, residue mobility, and thermodynamic stability) indicates that this missense variant is not expected to disrupt LZTR1 protein function with a negative predictive value of 80%. In summary, the available evidence is currently insufficient to determine the role of this variant in disease. Therefore, it has been classified as a Variant of Uncertain Significance.

Ambry Genetics
Classification: Uncertain significance for Cardiovascular phenotype; Hereditary cancer-predisposing syndrome. Last evaluated: 2025-09-07. Review status: criteria provided, single submitter. Criteria: Ambry Variant Classification Scheme 2023. Collection method: clinical testing. Allele origin: germline.
Comment: The p.H121Y variant (also known as c.361C>T), located in coding exon 4 of the LZTR1 gene, results from a C to T substitution at nucleotide position 361. The histidine at codon 121 is replaced by tyrosine, an amino acid with similar properties. This amino acid position is highly conserved in available vertebrate species. In addition, this alteration is predicted to be deleterious by in silico analysis. Since supporting evidence is limited at this time, the clinical significance of this alteration remains unclear.

GeneDx
Classification: Uncertain significance. Last evaluated: 2024-05-10. Review status: criteria provided, single submitter. Criteria: GeneDx Variant Classification Process June 2021. Collection method: clinical testing. Allele origin: germline. Affected: yes.
Comment: Not observed at significant frequency in large population cohorts (gnomAD); In silico analysis supports that this missense variant has a deleterious effect on protein structure/function; Has not been previously published as pathogenic or benign to our knowledge

Genetics and Molecular Pathology, SA Pathology
Classification: Uncertain significance for Noonan syndrome 2; Noonan syndrome 10. Last evaluated: 2023-06-29. Review status: criteria provided, single submitter. Criteria: ACMG Guidelines, 2015. Collection method: clinical testing. Allele origin: germline. Affected: yes.

NM_006767.4(LZTR1):c.361C>T (p.His121Tyr)

Gene: LZTR1 (leucine zipper like post translational regulator 1; plus strand). Cytogenetic location: 22q11.21.
Variant type: single nucleotide variant.
Coding change: c.361C>T on transcript NM_006767.4 (MANE Select); coding-DNA position 361, C replaced by T.
Protein change: p.His121Tyr; replaces histidine 121 with tyrosine.
Molecular consequence: missense variant.
Genome position (GRCh38, 1-based): chr22:20,987,544, C>T. VCF-style: chr22-20987544-C-T. GRCh37 (hg19) VCF-style: chr22-21341833-C-T.
Other names: short protein forms H121Y.
Identifiers: ClinVar variation 1006717 (VCV001006717.15), dbSNP rs1569154492, ClinGen allele CA410779343.